The following is an entry in ClinVar:

NM_003327.4(TNFRSF4):c.586C>T (p.Pro196Ser)

Gene: TNFRSF4 (TNF receptor superfamily member 4; minus strand). Cytogenetic location: 1p36.33.
Variant type: single nucleotide variant.
Coding change: c.586C>T on transcript NM_003327.4 (MANE Select); coding-DNA position 586, C replaced by T.
Protein change: p.Pro196Ser; replaces proline 196 with serine.
Molecular consequence: missense variant.
Genome position (GRCh38, 1-based): chr1:1,211,990, G>A on the plus strand (C>T on the coding strand, the complement: TNFRSF4 is on the minus strand). VCF-style: chr1-1211990-G-A. GRCh37 (hg19) VCF-style: chr1-1147370-G-A.
Other names: c.586C>T, p.Pro196Ser (NM_001410709.1); short protein forms P196S.
Identifiers: ClinVar variation 3679012 (VCV003679012.2).
Genomic context (GRCh38, chr1:1,211,990, plus strand): 5'-AGGCGCCCTTACCCCCGGGGACCTCCACGGGCCGGGTGGAGGGTCCCTGTGAGGTTCTGG[G>A]CCAGGCTTCAGTGGGCTGGACAGTGATGGGCCTGGCCGGGGGGCCCTGGGTCTCCTGGGG-3'
Protein context (NP_003318.1, residues 186-206): PITVQPTEAW[Pro196Ser]RTSQGPSTRP

ClinVar aggregate classification (germline): Uncertain significance (1 of 4 stars; one submission).

Conditions:
Combined immunodeficiency due to OX40 deficiency. Also called: OX40 DEFICIENCY; Immunodeficiency 16. Identifiers: Orphanet 431149, MedGen C3810053, MONDO:0014268, OMIM 615593.

gnomAD v4.1: 1 of 1,604,900 alleles (0.000062%); no homozygotes.

Submission:

Labcorp Genetics (formerly Invitae), Labcorp
Classification: Uncertain significance for Combined immunodeficiency due to OX40 deficiency. Last evaluated: 2024-12-24. Review status: criteria provided, single submitter. Criteria: Invitae Variant Classification Sherloc (09022015). Collection method: clinical testing. Allele origin: germline.
Comment: This sequence change replaces proline, which is neutral and non-polar, with serine, which is neutral and polar, at codon 196 of the TNFRSF4 protein (p.Pro196Ser). This variant is not present in population databases (gnomAD no frequency). This variant has not been reported in the literature in individuals affected with TNFRSF4-related conditions. An algorithm developed to predict the effect of missense changes on protein structure and function outputs the following: PolyPhen-2: "Benign". The serine amino acid residue is found in multiple mammalian species, which suggests that this missense change does not adversely affect protein function. In summary, the available evidence is currently insufficient to determine the role of this variant in disease. Therefore, it has been classified as a Variant of Uncertain Significance.